The following is an entry in ClinVar:

ClinVar aggregate classification (germline): Conflicting classifications of pathogenicity. Review status: criteria provided, conflicting classifications (1 of 4 stars). 3 submissions from 3 submitters: Uncertain significance (2); Likely benign (1). Last evaluated 2025-11-19.

Conditions:
Hereditary cancer-predisposing syndrome. Also called: Neoplastic Syndromes, Hereditary; Tumor predisposition; Hereditary Cancer Syndrome; Hereditary neoplastic syndrome. Identifiers: Orphanet 140162, MedGen C0027672, MeSH D009386, MONDO:0015356.
Breast and/or ovarian cancer. Identifiers: MedGen CN221562.
Familial cancer of breast. Also called: Hereditary breast cancer; hereditary breast carcinoma; BREAST CANCER, FAMILIAL. Identifiers: Orphanet 227535, MedGen C0346153, MONDO:0016419, OMIM 114480. Disease mechanism: loss of function.

gnomAD v4.1: 1 of 1,613,790 alleles (0.000062%); highest among the groups gnomAD compares: Non-Finnish European, 0.000085%; no homozygotes.

Submissions (3):

Ambry Genetics
Classification: Likely benign for Hereditary cancer-predisposing syndrome. Last evaluated: 2025-11-19. Review status: criteria provided, single submitter. Criteria: Ambry Variant Classification Scheme 2023. Collection method: clinical testing. Allele origin: germline.

Labcorp Genetics (formerly Invitae), Labcorp
Classification: Uncertain significance for Familial cancer of breast. Last evaluated: 2024-11-19. Review status: criteria provided, single submitter. Criteria: Invitae Variant Classification Sherloc (09022015). Collection method: clinical testing. Allele origin: germline.
Comment: This sequence change replaces isoleucine, which is neutral and non-polar, with valine, which is neutral and non-polar, at codon 169 of the BARD1 protein (p.Ile169Val). This variant is present in population databases (rs765494437, gnomAD 0.0009%). This variant has not been reported in the literature in individuals affected with BARD1-related conditions. ClinVar contains an entry for this variant (Variation ID: 1026432). An algorithm developed to predict the effect of missense changes on protein structure and function outputs the following: PolyPhen-2: "Benign". The valine amino acid residue is found in multiple mammalian species, which suggests that this missense change does not adversely affect protein function. In summary, the available evidence is currently insufficient to determine the role of this variant in disease. Therefore, it has been classified as a Variant of Uncertain Significance.

CHEO Genetics Diagnostic Laboratory, Children's Hospital of Eastern Ontario
Classification: Uncertain significance for Breast and/or ovarian cancer. Last evaluated: 2023-01-04. Review status: criteria provided, single submitter. Criteria: ACMG Guidelines, 2015. Collection method: clinical testing. Allele origin: germline.

NM_000465.4(BARD1):c.505A>G (p.Ile169Val)

Gene: BARD1 (BRCA1 associated RING domain 1; minus strand). Cytogenetic location: 2q35.
Variant type: single nucleotide variant.
Coding change: c.505A>G on transcript NM_000465.4 (MANE Select); coding-DNA position 505, A replaced by G.
Protein change: p.Ile169Val; replaces isoleucine 169 with valine.
Molecular consequence: missense variant. On other transcripts: non-coding transcript variant (2), intron variant (3).
Genome position (GRCh38, 1-based): chr2:214,781,369, T>C on the plus strand (A>G on the coding strand, the complement: BARD1 is on the minus strand). VCF-style: chr2-214781369-T-C. GRCh37 (hg19) VCF-style: chr2-215646093-T-C.
Other names: c.448A>G, p.Ile150Val (NM_001282543.2); c.158+28043A>G (NM_001282548.2); c.215+15692A>G (NM_001282545.2); c.364+10928A>G (NM_001282549.2); short protein forms I150V, I169V.
Identifiers: ClinVar variation 1026432 (VCV001026432.12), dbSNP rs765494437, ClinGen allele CA2090418.